The following is an entry in ClinVar:

ClinVar aggregate classification (germline): Uncertain significance (1 of 4 stars; one submission).

Submission:

CeGaT Center for Human Genetics Tuebingen
Classification: Uncertain significance. Last evaluated: 2022-07-01. Review status: criteria provided, single submitter. Criteria: CeGaT Center For Human Genetics Tuebingen Variant Classification Criteria Version 2. Collection method: clinical testing. Allele origin: germline. Affected: yes. Observed: 1 variant allele.
Comment: FLNA: PM2, PP2, BP4

NM_001110556.2(FLNA):c.3607C>A (p.Leu1203Ile)

Gene: FLNA (filamin A; minus strand). Cytogenetic location: Xq28.
Variant type: single nucleotide variant.
Coding change: c.3607C>A on transcript NM_001110556.2 (MANE Select); coding-DNA position 3607, C replaced by A.
Protein change: p.Leu1203Ile; replaces leucine 1203 with isoleucine.
Molecular consequence: missense variant.
Genome position (GRCh38, 1-based): chrX:154,360,188, G>T on the plus strand (C>A on the coding strand, the complement: FLNA is on the minus strand). VCF-style: chrX-154360188-G-T. GRCh37 (hg19) VCF-style: chrX-153588556-G-T.
Other names: c.3607C>A, p.Leu1203Ile (NM_001456.4); short protein forms L1203I.
Identifiers: ClinVar variation 2661793 (VCV002661793.24), dbSNP rs2522740808, ClinGen allele CA415223988.